The following is an entry in ClinVar:

ClinVar aggregate classification (germline): Uncertain significance. Review status: criteria provided, multiple submitters, no conflicts (2 of 4 stars). 3 submissions from 3 submitters: Uncertain significance (3). Last evaluated 2025-05-28.

Conditions:
Hereditary cancer-predisposing syndrome. Also called: Neoplastic Syndromes, Hereditary; Tumor predisposition; Hereditary Cancer Syndrome; Hereditary neoplastic syndrome. Identifiers: Orphanet 140162, MedGen C0027672, MeSH D009386, MONDO:0015356.
Familial adenomatous polyposis 1 (FAP1). Also called: FAMILIAL ADENOMATOUS POLYPOSIS 1, ATTENUATED; POLYPOSIS, ADENOMATOUS INTESTINAL. Identifiers: MedGen C2713442, MONDO:0021056, OMIM 175100. Disease mechanism: loss of function.

Allele frequency attached by ClinVar (database versions not stated): gnomAD exomes below 0.00001.
gnomAD v4.1: 1 of 1,613,802 alleles (0.000062%); highest among the groups gnomAD compares: Non-Finnish European, 0.000085%; no homozygotes.

Submissions (3):

Color Diagnostics, LLC DBA Color Health
Classification: Uncertain significance for Hereditary cancer-predisposing syndrome. Last evaluated: 2025-05-28. Review status: criteria provided, single submitter. Criteria: ACMG Guidelines, 2015. Collection method: clinical testing. Allele origin: germline.
Comment: This missense variant replaces leucine with histidine at codon 2539 of the APC protein. Computational prediction suggests that this variant may have deleterious impact on protein structure and function. To our knowledge, functional studies have not been reported for this variant. This variant has not been reported in individuals affected with APC-related disorders in the literature. This variant has not been identified in the general population by the Genome Aggregation Database (gnomAD). The available evidence is insufficient to determine the role of this variant in disease conclusively. Therefore, this variant is classified as a Variant of Uncertain Significance.

Labcorp Genetics (formerly Invitae), Labcorp
Classification: Uncertain significance for Familial adenomatous polyposis 1. Last evaluated: 2024-02-15. Review status: criteria provided, single submitter. Criteria: Invitae Variant Classification Sherloc (09022015). Collection method: clinical testing. Allele origin: germline.
Comment: This sequence change replaces leucine, which is neutral and non-polar, with histidine, which is basic and polar, at codon 2539 of the APC protein (p.Leu2539His). This variant is not present in population databases (gnomAD no frequency). This variant has not been reported in the literature in individuals affected with APC-related conditions. ClinVar contains an entry for this variant (Variation ID: 482519). Advanced modeling of protein sequence and biophysical properties (such as structural, functional, and spatial information, amino acid conservation, physicochemical variation, residue mobility, and thermodynamic stability) performed at Invitae indicates that this missense variant is not expected to disrupt APC protein function with a negative predictive value of 95%. In summary, the available evidence is currently insufficient to determine the role of this variant in disease. Therefore, it has been classified as a Variant of Uncertain Significance.

Ambry Genetics
Classification: Uncertain significance for Hereditary cancer-predisposing syndrome. Last evaluated: 2020-03-04. Review status: criteria provided, single submitter. Criteria: Ambry Variant Classification Scheme 2023. Collection method: clinical testing. Allele origin: germline.
Comment: The p.L2539H variant (also known as c.7616T>A), located in coding exon 15 of the APC gene, results from a T to A substitution at nucleotide position 7616. The leucine at codon 2539 is replaced by histidine, an amino acid with similar properties. This amino acid position is well conserved in available vertebrate species. In addition, in silico predictors for this gene do not accurately predict pathogenicity. Since supporting evidence is limited at this time, the clinical significance of this alteration remains unclear.

NM_000038.6(APC):c.7616T>A (p.Leu2539His)

Gene: APC (APC regulator of Wnt signaling pathway; plus strand). Cytogenetic location: 5q22.2.
Variant type: single nucleotide variant.
Coding change: c.7616T>A on transcript NM_000038.6 (MANE Select); coding-DNA position 7616, T replaced by A.
Protein change: p.Leu2539His; replaces leucine 2539 with histidine.
Molecular consequence: missense variant.
Genome position (GRCh38, 1-based): chr5:112,843,210, T>A. VCF-style: chr5-112843210-T-A. GRCh37 (hg19) VCF-style: chr5-112178907-T-A.
Other names: c.7616T>A, p.Leu2539His (NM_001127510.3, NM_001354895.2); c.7562T>A, p.Leu2521His (NM_001127511.3); c.7670T>A, p.Leu2557His (NM_001354896.2); c.7646T>A, p.Leu2549His (NM_001354897.2); c.7541T>A, p.Leu2514His (NM_001354898.2); c.7532T>A, p.Leu2511His (NM_001354899.2); c.7493T>A, p.Leu2498His (NM_001354900.2); c.7439T>A, p.Leu2480His (NM_001354901.2); and 5 more; short protein forms L2521H, L2539H, L2413H, L2448H, L2498H, L2557H, L2256H, L2438H.
Identifiers: ClinVar variation 482519 (VCV000482519.16), dbSNP rs1554088529, ClinGen allele CA16037875.